The following is an entry in ClinVar:

ClinVar aggregate classification (germline): Uncertain significance (1 of 4 stars; one submission).

Conditions:
Emery-Dreifuss muscular dystrophy 4, autosomal dominant (EDMD4). Also called: EMERY-DREIFUSS MUSCULAR DYSTROPHY 4 WITH VARIABLE FEATURES. Identifiers: Orphanet 261, MedGen C2751807, MONDO:0013071, OMIM 612998.
Autosomal recessive ataxia, Beauce type. Also called: SYNE1 Deficiency; Spinocerebellar ataxia, autosomal recessive 8; ATAXIA, RECESSIVE, OF BEAUCE; SYNE1-Related Autosomal Recessive Cerebellar Ataxia. Identifiers: Orphanet 88644, MedGen C1853116, MONDO:0012549, OMIM 610743.

Submission:

Labcorp Genetics (formerly Invitae), Labcorp
Classification: Uncertain significance for Emery-Dreifuss muscular dystrophy 4, autosomal dominant; Autosomal recessive ataxia, Beauce type. Last evaluated: 2022-09-07. Review status: criteria provided, single submitter. Criteria: Invitae Variant Classification Sherloc (09022015). Collection method: clinical testing. Allele origin: germline.
Comment: Algorithms developed to predict the effect of missense changes on protein structure and function (SIFT, PolyPhen-2, Align-GVGD) all suggest that this variant is likely to be tolerated. In summary, the available evidence is currently insufficient to determine the role of this variant in disease. Therefore, it has been classified as a Variant of Uncertain Significance. This variant has not been reported in the literature in individuals affected with SYNE1-related conditions. This variant is not present in population databases (gnomAD no frequency). This sequence change replaces valine, which is neutral and non-polar, with leucine, which is neutral and non-polar, at codon 1467 of the SYNE1 protein (p.Val1467Leu).

NM_182961.4(SYNE1):c.4378G>C (p.Val1460Leu)

Gene: SYNE1 (spectrin repeat containing nuclear envelope protein 1; minus strand). Cytogenetic location: 6q25.2.
Variant type: single nucleotide variant.
Coding change: c.4378G>C on transcript NM_182961.4 (MANE Select); coding-DNA position 4378, G replaced by C.
Protein change: p.Val1460Leu; replaces valine 1460 with leucine.
Molecular consequence: missense variant.
Genome position (GRCh38, 1-based): chr6:152,433,878, C>G on the plus strand (G>C on the coding strand, the complement: SYNE1 is on the minus strand). VCF-style: chr6-152433878-C-G. GRCh37 (hg19) VCF-style: chr6-152755013-C-G.
Other names: c.4399G>C, p.Val1467Leu (NM_033071.5); short protein forms V1460L, V1467L.
Identifiers: ClinVar variation 1932644 (VCV001932644.5), dbSNP rs376463379, ClinGen allele CA366143729.